The following is an entry in ClinVar:

NM_017612.5(ZCCHC8):c.941G>A (p.Arg314His)

Gene: ZCCHC8 (zinc finger CCHC-type containing 8; minus strand). Cytogenetic location: 12q24.31.
Variant type: single nucleotide variant.
Coding change: c.941G>A on transcript NM_017612.5 (MANE Select); coding-DNA position 941, G replaced by A.
Protein change: p.Arg314His; replaces arginine 314 with histidine.
Molecular consequence: missense variant.
Genome position (GRCh38, 1-based): chr12:122,481,599, C>T on the plus strand (G>A on the coding strand, the complement: ZCCHC8 is on the minus strand). VCF-style: chr12-122481599-C-T. GRCh37 (hg19) VCF-style: chr12-122966146-C-T.
Other names: c.941G>A (NM_017612.3, NM_017612.4); c.710G>A, p.Arg237His (NM_001350935.2); c.644G>A, p.Arg215His (NM_001350936.2); c.227G>A, p.Arg76His (NM_001350937.2, NM_001350938.2); short protein forms R237H, R215H, R76H, R314H.
Identifiers: ClinVar variation 1405151 (VCV001405151.8), dbSNP rs754640355, ClinGen allele CA6846322.
Genomic context (GRCh38, chr12:122,481,599, plus strand): 5'-GCAAGCCCCGAATTCTCCAATTCAGCCTCTTTGAGCCACCCTGGTGGGTACCCTAGCTGG[C>T]GCATCCGATAGATAAAAGGTGGAAGACTCTTGTCTGTCACACCTAGTGCATCTTGAAGTT-3'
Protein context (NP_060082.2, residues 304-324): KSLPPFIYRM[Arg314His]QLGYPPGWLK

ClinVar aggregate classification (germline): Uncertain significance. Review status: criteria provided, multiple submitters, no conflicts (2 of 4 stars). 3 submissions from 3 submitters: Uncertain significance (3). Last evaluated 2025-11-04.

Conditions:
ZCCHC8-related disorder. Also called: ZCCHC8-related condition.

Allele frequency attached by ClinVar (database versions not stated): ExAC 0.00002; gnomAD exomes 0.00002 and 0.00005; gnomAD 0.00003 and 0.00004; TOPMed 0.00003.
gnomAD v4.1: 77 of 1,613,806 alleles (0.0048%); highest among the groups gnomAD compares: Non-Finnish European, 0.0065%; no homozygotes.

Submissions (3):

Labcorp Genetics (formerly Invitae), Labcorp
Classification: Uncertain significance. Last evaluated: 2025-11-04. Review status: criteria provided, single submitter. Criteria: Invitae Variant Classification Sherloc (09022015). Collection method: clinical testing. Allele origin: germline.
Comment: This sequence change replaces arginine, which is basic and polar, with histidine, which is basic and polar, at codon 314 of the ZCCHC8 protein (p.Arg314His). This variant is present in population databases (rs754640355, gnomAD 0.004%). This variant has not been reported in the literature in individuals affected with ZCCHC8-related conditions. ClinVar contains an entry for this variant (Variation ID: 1405151). Invitae Evidence Modeling of protein sequence and biophysical properties (such as structural, functional, and spatial information, amino acid conservation, physicochemical variation, residue mobility, and thermodynamic stability) indicates that this missense variant is expected to disrupt ZCCHC8 protein function with a positive predictive value of 80%. In summary, the available evidence is currently insufficient to determine the role of this variant in disease. Therefore, it has been classified as a Variant of Uncertain Significance.

Ambry Genetics
Classification: Uncertain significance. Last evaluated: 2025-08-14. Review status: criteria provided, single submitter. Criteria: Ambry Variant Classification Scheme 2023. Collection method: clinical testing. Allele origin: germline.

PreventionGenetics, part of Exact Sciences
Classification: Uncertain significance for ZCCHC8-related condition. Last evaluated: 2025-01-27. Review status: criteria provided, single submitter. Criteria: ACMG Guidelines, 2015. Collection method: clinical testing. Allele origin: germline.
Comment: The ZCCHC8 c.941G>A variant is predicted to result in the amino acid substitution p.Arg314His. To our knowledge, this variant has not been reported in the literature. This variant is reported in 0.0053% of alleles in individuals of European (Non-Finnish) descent in gnomAD. At this time, the clinical significance of this variant is uncertain due to the absence of conclusive functional and genetic evidence.